The following is an entry in ClinVar:

ClinVar aggregate classification (germline): Pathogenic. Review status: no assertion criteria provided (0 of 4 stars). 2 submissions from 2 submitters: Pathogenic (2). Last evaluated 2013-08-29.

Conditions:
Holoprosencephaly 5 (HPE5). Identifiers: Orphanet 2162, MedGen C1864827, MONDO:0012322, OMIM 609637.

Submissions (2):

GeneReviews
Classification: Pathogenic for Holoprosencephaly. Last evaluated: 2013-08-29. Review status: no assertion criteria provided. Collection method: curation. Allele origin: unknown.
ClinVar note: Converted during submission from pathologic to Pathogenic.

OMIM
Classification: Pathogenic for HOLOPROSENCEPHALY 5. Last evaluated: 1998-10-01. Review status: no assertion criteria provided. Collection method: literature only. Allele origin: germline.

Literature cited by the submitters: PubMed 9771712 (cited by OMIM).

NM_007129.5(ZIC2):c.1318dup (p.Leu440fs)

Gene: ZIC2 (Zic family member 2; plus strand). Cytogenetic location: 13q32.3.
Variant type: Duplication.
Coding change: c.1318dup on transcript NM_007129.5 (MANE Select); coding-DNA position 1318, one base duplicated (C; older notation c.1318dupC).
Protein change: p.Leu440fs; shifts the reading frame from leucine 440.
Molecular consequence: frameshift variant.
Genome position (GRCh38, 1-based): chr13:99,985,401, C duplicated. VCF-style (leftmost placement, unchanged base first): chr13-99985400-G-GC. GRCh37 (hg19) VCF-style: chr13-100637654-G-GC.
Other names: 1 bp ins C 440; short protein forms L440fs.
Identifiers: ClinVar variation 6638 (VCV000006638.3), dbSNP rs397515364, ClinGen allele CA340602.